The following is an entry in ClinVar:

NM_001267550.2(TTN):c.72730G>T (p.Gly24244Ter)

Genes: TTN (titin; minus strand), TTN-AS1 (TTN antisense RNA 1; plus strand). Cytogenetic location: 2q31.2.
Variant type: single nucleotide variant.
Coding change: c.72730G>T on transcript NM_001267550.2 (MANE Select); coding-DNA position 72730, G replaced by T.
Protein change: p.Gly24244Ter; replaces glycine 24244 with a stop codon.
Molecular consequence: nonsense.
Genome position (GRCh38, 1-based): chr2:178,573,402, C>A on the plus strand (G>T on the coding strand, the complement: TTN is on the minus strand). VCF-style: chr2-178573402-C-A. GRCh37 (hg19) VCF-style: chr2-179438129-C-A.
Other names: c.67807G>T, p.Gly22603Ter (NM_001256850.1); c.45535G>T, p.Gly15179Ter (NM_003319.4); c.65026G>T, p.Gly21676Ter (NM_133378.4); c.45910G>T, p.Gly15304Ter (NM_133432.3); c.46111G>T, p.Gly15371Ter (NM_133437.4); short protein forms G15179*, G15304*, G15371*, G21676*, G22603*, G24244*.
Identifiers: ClinVar variation 1066489 (VCV001066489.9), dbSNP rs1708937897, ClinGen allele CA349645833.

ClinVar aggregate classification (germline): Likely pathogenic (1 of 4 stars; one submission).

Conditions:
Dilated cardiomyopathy 1G (CMD1G). Identifiers: Orphanet 154, MedGen C1858763, MONDO:0011400, OMIM 604145.
Autosomal recessive limb-girdle muscular dystrophy type 2J (LGMDR10). Also called: Limb-girdle muscular dystrophy, type 2J; MUSCULAR DYSTROPHY, LIMB-GIRDLE, AUTOSOMAL RECESSIVE 10. Identifiers: Orphanet 140922, MedGen C1837342, MONDO:0012127, OMIM 608807.

Submission:

Labcorp Genetics (formerly Invitae), Labcorp
Classification: Likely pathogenic for Dilated cardiomyopathy 1G; Autosomal recessive limb-girdle muscular dystrophy type 2J. Last evaluated: 2023-02-14. Review status: criteria provided, single submitter. Criteria: Invitae Variant Classification Sherloc (09022015). Collection method: clinical testing. Allele origin: germline.
Comment: In summary, the currently available evidence indicates that the variant is pathogenic, but additional data are needed to prove that conclusively. Therefore, this variant has been classified as Likely Pathogenic. This variant is located in the A band of TTN (PMID: 25589632). Truncating variants in this region are significantly overrepresented in patients affected with dilated cardiomyopathy (PMID: 25589632). Truncating variants in this region have also been reported in individuals affected with autosomal recessive centronuclear myopathy (PMID: 23975875). ClinVar contains an entry for this variant (Variation ID: 1066489). This variant has not been reported in the literature in individuals affected with TTN-related conditions. This variant is not present in population databases (gnomAD no frequency). This sequence change creates a premature translational stop signal (p.Gly24244*) in the TTN gene. While this is not anticipated to result in nonsense mediated decay, it is expected to create a truncated TTN protein.

Literature cited by the submitters: PubMed 25589632; PubMed 23975875.